The following is an entry in ClinVar:

ClinVar aggregate classification (germline): Likely benign (1 of 4 stars; one submission).

Conditions:
Ehlers-Danlos syndrome, type 4 (EDSVASC). Also called: Ehlers-Danlos Syndrome Type IV; Ehlers-Danlos syndrome vascular type; Ehlers Danlos syndrome, ecchymotic type; Ehlers Danlos syndrome, arterial type; Ehlers Danlos syndrome, Sack-Barabas type. Identifiers: Orphanet 286, MedGen C0268338, MONDO:0017314, OMIM 130050.

gnomAD v4.1: 5 of 1,614,104 alleles (0.00031%); highest among the groups gnomAD compares: Non-Finnish European, 0.00042%; no homozygotes.

Submission:

All of Us Research Program, National Institutes of Health
Classification: Likely benign for Ehlers-Danlos syndrome, type 4. Last evaluated: 2023-09-17. Review status: criteria provided, single submitter. Criteria: ACMG Guidelines, 2015. Collection method: clinical testing. Allele origin: germline. Inheritance: Autosomal dominant inheritance. Observed: 1 variant allele, 1 heterozygote.
Comment: This study involves interpretation of variants in research participants for the purpose of population health screening. Participant phenotype was not available at the time of variant classification. Additional details can be found in publication PMID: 35346344, PMCID: PMC8962531

NM_000090.4(COL3A1):c.3555C>A (p.Gly1185=)

Gene: COL3A1 (collagen type III alpha 1 chain; plus strand). Cytogenetic location: 2q32.2.
Variant type: single nucleotide variant.
Coding change: c.3555C>A on transcript NM_000090.4 (MANE Select); coding-DNA position 3555, C replaced by A.
Protein change: p.Gly1185=; no amino-acid change (glycine 1185 retained).
Molecular consequence: synonymous variant.
Genome position (GRCh38, 1-based): chr2:189,008,953, C>A. VCF-style: chr2-189008953-C-A. GRCh37 (hg19) VCF-style: chr2-189873679-C-A.
Identifiers: ClinVar variation 3071109 (VCV003071109.1), dbSNP rs1309980881, ClinGen allele CA430406539.